The following is an entry in ClinVar:

NM_000520.6(HEXA):c.639T>A (p.Tyr213Ter)

Gene: HEXA (hexosaminidase subunit alpha; minus strand). Cytogenetic location: 15q23.
Variant type: single nucleotide variant.
Coding change: c.639T>A on transcript NM_000520.6 (MANE Select); coding-DNA position 639, T replaced by A.
Protein change: p.Tyr213Ter; replaces tyrosine 213 with a stop codon.
Molecular consequence: nonsense. On other transcripts: non-coding transcript variant (1).
Genome position (GRCh38, 1-based): chr15:72,351,166, A>T on the plus strand (T>A on the coding strand, the complement: HEXA is on the minus strand). VCF-style: chr15-72351166-A-T. GRCh37 (hg19) VCF-style: chr15-72643507-A-T.
Other names: c.672T>A, p.Tyr224Ter (NM_001318825.2); short protein forms Y213*, Y224*.
Identifiers: ClinVar variation 4814269 (VCV004814269.1).

ClinVar aggregate classification (germline): Likely pathogenic (1 of 4 stars; one submission).

Conditions:
Tay-Sachs disease (TSD). Also called: HEXA DEFICIENCY; HEXA Disorders; GM2 gangliosidosis, type 1; Hexosaminidase alpha-subunit deficiency (variant B); Sphingolipidosis, Tay-Sachs; Hexosaminidase A Deficiency. Identifiers: Orphanet 845, MedGen C0039373, MONDO:0010100, OMIM 272800.

Submission:

Natera, Inc.
Classification: Likely pathogenic for Tay-Sachs disease. Last evaluated: 2024-12-13. Review status: criteria provided, single submitter. Criteria: Natera Variant Classification Schema (03/2026). Collection method: clinical testing. Allele origin: germline.
Comment: The c.639T>A variant in HEXA is a nonsense variant predicted to introduce a stop codon at amino acid 213. This variant is expected to result in nonsense mediated decay, truncation, or a dysfunctional protein product. This variant is rare in the general population with a frequency below the threshold expected for the associated phenotype(s). Given the available evidence, this variant is classified as Likely Pathogenic.